The following is an entry in ClinVar:

ClinVar aggregate classification (germline): Uncertain significance (0 of 4 stars; one submission).

Conditions:
MC3R-related disorder. Also called: MC3R-related condition.

gnomAD v4.1: 3 of 1,613,956 alleles (0.00019%); highest among the groups gnomAD compares: Non-Finnish European, 0.00025%; no homozygotes.

Submission:

PreventionGenetics, part of Exact Sciences
Classification: Uncertain significance for MC3R-related condition. Last evaluated: 2024-03-07. Review status: no assertion criteria provided. Collection method: clinical testing. Allele origin: germline.
Comment: The MC3R c.970T>C variant is predicted to result in extension of the open reading frame (p.*324Glnext*0). To our knowledge, this variant has not been reported in the literature or in a large population database, indicating this variant is rare. At this time, the clinical significance of this variant is uncertain due to the absence of conclusive functional and genetic evidence.

NM_019888.3(MC3R):c.970T>C (p.Ter324Gln)

Gene: MC3R (melanocortin 3 receptor; plus strand). Cytogenetic location: 20q13.2.
Variant type: single nucleotide variant.
Coding change: c.970T>C on transcript NM_019888.3 (MANE Select); coding-DNA position 970, T replaced by C.
Protein change: p.Ter324Gln.
Molecular consequence: stop lost.
Genome position (GRCh38, 1-based): chr20:56,249,813, T>C. VCF-style: chr20-56249813-T-C. GRCh37 (hg19) VCF-style: chr20-54824869-T-C.
Identifiers: ClinVar variation 3353380 (VCV003353380.1).
Genomic context (GRCh38, chr20:56,249,813, plus strand): 5'-CTGGAATTGCGCAACACCTTTAGGGAGATTCTCTGTGGCTGCAACGGCATGAACTTGGGA[T>C]AGGATGCAGGGCCATGGAAATGATCATCAGTCGGGTCACTTTTGACTTTCCATCCACGTG-3'